The following is an entry in ClinVar:

NM_001267550.2(TTN):c.84263G>C (p.Ser28088Thr)

Genes: TTN-AS1 (TTN antisense RNA 1; plus strand), TTN (titin; minus strand). Cytogenetic location: 2q31.2.
Variant type: single nucleotide variant.
Coding change: c.84263G>C on transcript NM_001267550.2 (MANE Select); coding-DNA position 84263, G replaced by C.
Protein change: p.Ser28088Thr; replaces serine 28088 with threonine.
Molecular consequence: missense variant.
Genome position (GRCh38, 1-based): chr2:178,561,869, C>G on the plus strand (G>C on the coding strand, the complement: TTN is on the minus strand). VCF-style: chr2-178561869-C-G. GRCh37 (hg19) VCF-style: chr2-179426596-C-G.
Other names: c.79340G>C, p.Ser26447Thr (NM_001256850.1); c.57068G>C, p.Ser19023Thr (NM_003319.4); c.76559G>C, p.Ser25520Thr (NM_133378.4); c.57443G>C, p.Ser19148Thr (NM_133432.3); c.57644G>C, p.Ser19215Thr (NM_133437.4); short protein forms S25520T, S28088T, S19148T, S19215T, S26447T, S19023T.
Identifiers: ClinVar variation 263759 (VCV000263759.5), dbSNP rs200450022, ClinGen allele CA10587465.

ClinVar aggregate classification (germline): Uncertain significance. Review status: criteria provided, multiple submitters, no conflicts (2 of 4 stars). 2 submissions from 2 submitters: Uncertain significance (2). Last evaluated 2017-11-12.

Conditions:
Dilated cardiomyopathy 1G (CMD1G). Identifiers: Orphanet 154, MedGen C1858763, MONDO:0011400, OMIM 604145.
Autosomal recessive limb-girdle muscular dystrophy type 2J (LGMDR10). Also called: Limb-girdle muscular dystrophy, type 2J; MUSCULAR DYSTROPHY, LIMB-GIRDLE, AUTOSOMAL RECESSIVE 10. Identifiers: Orphanet 140922, MedGen C1837342, MONDO:0012127, OMIM 608807.
Cardiovascular phenotype. Identifiers: MedGen CN230736.

gnomAD v4.1: 1 of 1,613,636 alleles (0.000062%); highest among the groups gnomAD compares: East Asian, 0.0022%; no homozygotes.

Submissions (2):

Labcorp Genetics (formerly Invitae), Labcorp
Classification: Uncertain significance for Dilated cardiomyopathy 1G; Autosomal recessive limb-girdle muscular dystrophy type 2J. Last evaluated: 2017-11-12. Review status: criteria provided, single submitter. Criteria: Invitae Variant Classification Sherloc (09022015). Collection method: clinical testing. Allele origin: germline.

Ambry Genetics
Classification: Uncertain significance for Cardiovascular phenotype. Last evaluated: 2013-09-20. Review status: criteria provided, single submitter. Criteria: Ambry Autosomal Dominant and X-Linked criteria (10/2015). Collection method: clinical testing. Allele origin: germline. Observed: 1 variant allele.
Comment: The p.S25520T variant (also known as c.76559G>C) is located in coding exon 274 of the TTN gene. This alteration results from a G to C substitution at nucleotide position 76559. The serine at codon 25520 is replaced by threonine, an amino acid with similar properties. This variant was not reported in population-based cohorts in the following databases: Database of Single Nucleotide Polymorphisms (dbSNP), NHLBI Exome Sequencing Project (ESP) and 1000 Genomes Project. This amino acid position is not conserved on sequence alignment. This variant is predicted to be benign by PolyPhen in silico analyses. Since supporting evidence is limited at this time, the clinical significance of p.S25520T remains unclear.